The following is an entry in ClinVar:

NM_003119.4(SPG7):c.1696G>T (p.Glu566Ter)

Gene: SPG7 (SPG7 matrix AAA peptidase subunit, paraplegin; plus strand). Cytogenetic location: 16q24.3.
Variant type: single nucleotide variant.
Coding change: c.1696G>T on transcript NM_003119.4 (MANE Select); coding-DNA position 1696, G replaced by T.
Protein change: p.Glu566Ter; replaces glutamic acid 566 with a stop codon.
Molecular consequence: nonsense.
Genome position (GRCh38, 1-based): chr16:89,550,526, G>T. VCF-style: chr16-89550526-G-T. GRCh37 (hg19) VCF-style: chr16-89616934-G-T.
Other names: p.Glu566*; c.1696G>T, p.Glu566Ter (NM_001363850.1); short protein forms E566*.
Identifiers: ClinVar variation 4056354 (VCV004056354.1).

ClinVar aggregate classification (germline): Likely pathogenic (1 of 4 stars; one submission).

Conditions:
Hereditary spastic paraplegia 7 (SPG7). Also called: Autosomal recessive spastic paraplegia type 7; Spastic paraplegia 7; Hereditary spastic paraplegia Paraplegin type; SPASTIC PARAPLEGIA 7, AUTOSOMAL RECESSIVE, WITH OR WITHOUT CEREBELLAR ATAXIA; SPG7-related neurologic disorder. Identifiers: Orphanet 99013, MedGen C1846564, MONDO:0011803, OMIM 607259.

Submission:

Department of Molecular Genetics, Istishari Arab Hospital
Classification: Likely pathogenic for Hereditary spastic paraplegia 7. Last evaluated: 2025-07-10. Review status: criteria provided, single submitter. Criteria: ACMG Guidelines, 2015. Collection method: clinical testing. Allele origin: inherited. Inheritance: Autosomal recessive inheritance. Affected: yes.
Comment: The SPG7 variant c.1696G>T p.(Trp1282*) creates a premature stop codon. To the best of our knowledge, this variant was not previously reported in literature. It is classified as likely pathogenic (class 2) based on the recommendations of ACMG/AMP/ClinGen SVI guidelines.